The following is an entry in ClinVar:

ClinVar aggregate classification (germline): Uncertain significance. Review status: criteria provided, multiple submitters, no conflicts (2 of 4 stars). 4 submissions from 4 submitters: Uncertain significance (4). Last evaluated 2025-08-30.

Conditions:
Cardiovascular phenotype. Identifiers: MedGen CN230736.
RASopathy. Also called: Noonan spectrum disorder; rasopathies. Identifiers: Orphanet 536391, MedGen C5555857, MONDO:0021060.

Allele frequency attached by ClinVar (database versions not stated): gnomAD exomes below 0.00001; TOPMed 0.00002; gnomAD 0.00003 and 0.00004; ESP Exome Variant Server 0.00008.
gnomAD v4.1: 7 of 1,614,040 alleles (0.00043%); highest among the groups gnomAD compares: African/African-American, 0.0067%; no homozygotes.

Submissions (4):

Labcorp Genetics (formerly Invitae), Labcorp
Classification: Uncertain significance for RASopathy. Last evaluated: 2025-08-30. Review status: criteria provided, single submitter. Criteria: Invitae Variant Classification Sherloc (09022015). Collection method: clinical testing. Allele origin: germline.
Comment: This sequence change replaces aspartic acid, which is acidic and polar, with histidine, which is basic and polar, at codon 555 of the RAF1 protein (p.Asp555His). This variant is present in population databases (rs371704292, gnomAD no frequency). This variant has not been reported in the literature in individuals affected with RAF1-related conditions. ClinVar contains an entry for this variant (Variation ID: 503546). Invitae Evidence Modeling of protein sequence and biophysical properties (such as structural, functional, and spatial information, amino acid conservation, physicochemical variation, residue mobility, and thermodynamic stability) indicates that this missense variant is expected to disrupt RAF1 protein function with a positive predictive value of 95%. In summary, the available evidence is currently insufficient to determine the role of this variant in disease. Therefore, it has been classified as a Variant of Uncertain Significance.

Ambry Genetics
Classification: Uncertain significance for Cardiovascular phenotype. Last evaluated: 2020-05-15. Review status: criteria provided, single submitter. Criteria: Ambry Variant Classification Scheme 2023. Collection method: clinical testing. Allele origin: germline.
Comment: The p.D555H variant (also known as c.1663G>C), located in coding exon 14 of the RAF1 gene, results from a G to C substitution at nucleotide position 1663. The aspartic acid at codon 555 is replaced by histidine, an amino acid with similar properties. This amino acid position is highly conserved in available vertebrate species. In addition, this alteration is predicted to be deleterious by in silico analysis. Since supporting evidence is limited at this time, the clinical significance of this alteration remains unclear.

GeneDx
Classification: Uncertain significance. Last evaluated: 2019-07-19. Review status: criteria provided, single submitter. Criteria: GeneDx Variant Classification Process June 2021. Collection method: clinical testing. Allele origin: germline. Affected: yes.
Comment: Has not been previously published as pathogenic or benign to our knowledge; Reported in ClinVar as a variant of uncertain significance (ClinVar Variant ID# 503546; Landrum et al., 2016); In silico analysis, which includes protein predictors and evolutionary conservation, supports a deleterious effect

Laboratory for Molecular Medicine, Mass General Brigham Personalized Medicine
Classification: Uncertain significance. Last evaluated: 2018-03-01. Review status: criteria provided, single submitter. Criteria: LMM Criteria. Collection method: clinical testing. Allele origin: germline.
Comment: Disclaimer: This variant has not undergone full assessment. The following are preliminary notes: GnomAd g.12626626C>G (chr3, GRCh37) 1/5486 other chromosomes; not in ClinVar or HGMD; well conserved; predicted damaging

NM_002880.4(RAF1):c.1663G>C (p.Asp555His)

Gene: RAF1 (Raf-1 proto-oncogene, serine/threonine kinase; minus strand). Cytogenetic location: 3p25.2.
Variant type: single nucleotide variant.
Coding change: c.1663G>C on transcript NM_002880.4 (MANE Select); coding-DNA position 1663, G replaced by C.
Protein change: p.Asp555His; replaces aspartic acid 555 with histidine.
Molecular consequence: missense variant. On other transcripts: non-coding transcript variant (3).
Genome position (GRCh38, 1-based): chr3:12,585,127, C>G on the plus strand (G>C on the coding strand, the complement: RAF1 is on the minus strand). VCF-style: chr3-12585127-C-G. GRCh37 (hg19) VCF-style: chr3-12626626-C-G.
Other names: c.1723G>C, p.Asp575His (NM_001354689.3); c.1663G>C, p.Asp555His (NM_001354690.3); c.1420G>C, p.Asp474His (NM_001354691.3, NM_001354692.3); c.1564G>C, p.Asp522His (NM_001354693.3); c.1480G>C, p.Asp494His (NM_001354694.3); c.1321G>C, p.Asp441His (NM_001354695.3); short protein forms D555H, D575H, D522H, D441H, D474H, D494H.
Identifiers: ClinVar variation 503546 (VCV000503546.17), dbSNP rs371704292, ClinGen allele CA69603219.
Genomic context (GRCh38, chr3:12,585,127, plus strand): 5'-GCGGAGGCCCAGGGGCTCCCACGAGTTGGGTCCTTTCGCACCAGCACAGACTTACCTGAT[C>G]TCGGTTGTTGATGTGAGAATAAGGAAGCTCCCCCGTCATCAGTTCATACAATACGATGCC-3'
Protein context (NP_002871.1, residues 545-565): ELPYSHINNR[Asp555His]QIIFMVGRGY